The following is an entry in ClinVar:

ClinVar aggregate classification (germline): Uncertain significance (1 of 4 stars; one submission).

Submission:

Labcorp Genetics (formerly Invitae), Labcorp
Classification: Uncertain significance. Last evaluated: 2020-03-27. Review status: criteria provided, single submitter. Criteria: Invitae Variant Classification Sherloc (09022015). Collection method: clinical testing. Allele origin: germline.
Comment: In summary, the available evidence is currently insufficient to determine the role of this variant in disease. Therefore, it has been classified as a Variant of Uncertain Significance. Algorithms developed to predict the effect of missense changes on protein structure and function are either unavailable or do not agree on the potential impact of this missense change (SIFT: "Deleterious"; PolyPhen-2: "Probably Damaging"; Align-GVGD: "Class C0"). This variant has been observed in individual(s) with clinical features of retinitis pigmentosa (Invitae). This variant is not present in population databases (ExAC no frequency). This sequence change replaces aspartic acid with tyrosine at codon 252 of the PDE6B protein (p.Asp252Tyr). The aspartic acid residue is highly conserved and there is a large physicochemical difference between aspartic acid and tyrosine.

NM_000283.4(PDE6B):c.754G>T (p.Asp252Tyr)

Genes: PDE6B (phosphodiesterase 6B; plus strand), PDE6B-AS1 (PDE6B antisense RNA 1; minus strand). Cytogenetic location: 4p16.3.
Variant type: single nucleotide variant.
Coding change: c.754G>T on transcript NM_000283.4 (MANE Select); coding-DNA position 754, G replaced by T.
Protein change: p.Asp252Tyr; replaces aspartic acid 252 with tyrosine.
Molecular consequence: missense variant. On other transcripts: 5 prime UTR variant (5).
Genome position (GRCh38, 1-based): chr4:653,894, G>T. VCF-style: chr4-653894-G-T. GRCh37 (hg19) VCF-style: chr4-647683-G-T.
Other names: c.754G>T, p.Asp252Tyr (NM_001145291.2); c.-84G>T (NM_001145292.2, NM_001350154.3, NM_001379246.1 and 1 more transcripts); c.-287G>T (NM_001350155.3); short protein forms D252Y.
Identifiers: ClinVar variation 1036849 (VCV001036849.9), dbSNP rs1210313417, ClinGen allele CA355910732.